The following is an entry in ClinVar:

ClinVar aggregate classification (germline): Uncertain significance (1 of 4 stars; one submission).

Conditions:
Hypertrophic cardiomyopathy. Also called: HYPERTROPHIC MYOCARDIOPATHY. Identifiers: Orphanet 217569, MedGen C0007194, MeSH D002312, MONDO:0005045, HP:0001639.

Submission:

Labcorp Genetics (formerly Invitae), Labcorp
Classification: Uncertain significance for Hypertrophic cardiomyopathy. Last evaluated: 2017-04-05. Review status: criteria provided, single submitter. Criteria: Invitae Variant Classification Sherloc (09022015). Collection method: clinical testing. Allele origin: germline.
Comment: In summary, this variant is a novel missense change that affects a residue important for protein function. However, the available evidence is currently insufficient to determine its role in disease. Therefore, it has been classified as a Variant of Uncertain Significance. Algorithms developed to predict the effect of missense changes on protein structure and function (SIFT, PolyPhen-2, Align-GVGD) all suggest that this variant is likely to be disruptive, but these predictions have not been confirmed by published functional studies. A different missense substitution at this codon (p.Ala171Thr) has been determined to be pathogenic (PMID: 12531876, 15961398, 16288990, 18423659, 27532257). This suggests that the alanine residue is critical for TNNI3 protein function and that other missense substitutions at this position may also be pathogenic. This variant is not present in population databases (ExAC no frequency) and has not been reported in the literature in individuals with a TNNI3-related disease. This sequence change replaces alanine with valine at codon 171 of the TNNI3 protein (p.Ala171Val). The alanine residue is highly conserved and there is a small physicochemical difference between alanine and valine. Missense variants that are absent from the ExAC population database have been shown to be significantly overrepresented in individuals with hypertrophic cardiomyopathy (PMID: 27532257).

Literature cited by the submitters: PubMed 12531876; PubMed 15961398; PubMed 16288990; PubMed 18423659; PubMed 27532257.

NM_000363.5(TNNI3):c.512C>T (p.Ala171Val)

Gene: TNNI3 (troponin I3, cardiac type; minus strand). Cytogenetic location: 19q13.42.
Variant type: single nucleotide variant.
Coding change: c.512C>T on transcript NM_000363.5 (MANE Select); coding-DNA position 512, C replaced by T.
Protein change: p.Ala171Val; replaces alanine 171 with valine.
Molecular consequence: missense variant.
Genome position (GRCh38, 1-based): chr19:55,154,067, G>A on the plus strand (C>T on the coding strand, the complement: TNNI3 is on the minus strand). VCF-style: chr19-55154067-G-A. GRCh37 (hg19) VCF-style: chr19-55665435-G-A.
Other names: c.512C>T (LRG_432t1); short protein forms A171V.
Identifiers: ClinVar variation 454409 (VCV000454409.8), dbSNP rs1555863491, ClinGen allele CA407440297.